The following is an entry in ClinVar:

ClinVar aggregate classification (germline): Uncertain significance (1 of 4 stars; one submission).

Allele frequency attached by ClinVar (database versions not stated): TOPMed below 0.00001; ExAC 0.00001; gnomAD 0.00001.
gnomAD v4.1: 3 of 1,613,722 alleles (0.00019%); highest among the groups gnomAD compares: Non-Finnish European, 0.00025%; no homozygotes.

Submission:

Labcorp Genetics (formerly Invitae), Labcorp
Classification: Uncertain significance. Last evaluated: 2022-12-13. Review status: criteria provided, single submitter. Criteria: Invitae Variant Classification Sherloc (09022015). Collection method: clinical testing. Allele origin: germline.
Comment: This sequence change replaces cysteine, which is neutral and slightly polar, with tryptophan, which is neutral and slightly polar, at codon 19 of the ATP5E protein (p.Cys19Trp). This variant is present in population databases (rs777724985, gnomAD 0.0009%). This variant has not been reported in the literature in individuals affected with ATP5E-related conditions. Algorithms developed to predict the effect of missense changes on protein structure and function (SIFT, PolyPhen-2, Align-GVGD) all suggest that this variant is likely to be disruptive. In summary, the available evidence is currently insufficient to determine the role of this variant in disease. Therefore, it has been classified as a Variant of Uncertain Significance.

NM_006886.4(ATP5F1E):c.57T>G (p.Cys19Trp)

Genes: ATP5F1E (ATP synthase F1 subunit epsilon; minus strand), SLMO2-ATP5E (SLMO2-ATP5E readthrough; minus strand). Cytogenetic location: 20q13.32.
Variant type: single nucleotide variant.
Coding change: c.57T>G on transcript NM_006886.4 (MANE Select); coding-DNA position 57, T replaced by G.
Protein change: p.Cys19Trp; replaces cysteine 19 with tryptophan.
Molecular consequence: missense variant. On other transcripts: non-coding transcript variant (2).
Genome position (GRCh38, 1-based): chr20:59,030,405, A>C on the plus strand (T>G on the coding strand, the complement: ATP5F1E is on the minus strand). VCF-style: chr20-59030405-A-C. GRCh37 (hg19) VCF-style: chr20-57605460-A-C.
Other names: c.57T>G, p.Cys19Trp (NM_001001977.1); short protein forms C19W.
Identifiers: ClinVar variation 2820565 (VCV002820565.3), dbSNP rs777724985, ClinGen allele CA9928743.